The following is an entry in ClinVar:

ClinVar aggregate classification (germline): Pathogenic (1 of 4 stars; one submission).

Conditions:
Early-infantile DEE. Also called: Ohtahara syndrome; Early infantile epileptic encephalopathy with suppression bursts; Early infantile epileptic encephalopathy. Identifiers: Orphanet 1934, MedGen C0393706, MONDO:0800491.

Submission:

Labcorp Genetics (formerly Invitae), Labcorp
Classification: Pathogenic for Early-infantile DEE. Last evaluated: 2022-09-22. Review status: criteria provided, single submitter. Criteria: Invitae Variant Classification Sherloc (09022015). Collection method: clinical testing. Allele origin: germline.
Comment: For these reasons, this variant has been classified as Pathogenic. Advanced modeling of protein sequence and biophysical properties (such as structural, functional, and spatial information, amino acid conservation, physicochemical variation, residue mobility, and thermodynamic stability) performed at Invitae indicates that this missense variant is expected to disrupt SCN1A protein function. This missense change has been observed in individual(s) with clinical features of epilepsy (Invitae). In at least one individual the variant was observed to be de novo. This variant is not present in population databases (gnomAD no frequency). This sequence change replaces methionine, which is neutral and non-polar, with arginine, which is basic and polar, at codon 974 of the SCN1A protein (p.Met974Arg).

NM_001165963.4(SCN1A):c.2921T>G (p.Met974Arg)

Gene: SCN1A (sodium voltage-gated channel alpha subunit 1; minus strand). Cytogenetic location: 2q24.3.
Variant type: single nucleotide variant.
Coding change: c.2921T>G on transcript NM_001165963.4 (MANE Select); coding-DNA position 2921, T replaced by G.
Protein change: p.Met974Arg; replaces methionine 974 with arginine.
Molecular consequence: missense variant. On other transcripts: non-coding transcript variant (1).
Genome position (GRCh38, 1-based): chr2:166,037,801, A>C on the plus strand (T>G on the coding strand, the complement: SCN1A is on the minus strand). VCF-style: chr2-166037801-A-C. GRCh37 (hg19) VCF-style: chr2-166894311-A-C.
Other names: c.2837T>G, p.Met946Arg (NM_001165964.3, NM_001353957.2, NM_001353958.2); c.2921T>G, p.Met974Arg (NM_001202435.3, NM_001353948.2); c.2888T>G, p.Met963Arg (NM_001353949.2, NM_001353950.2, NM_001353951.2 and 2 more transcripts); c.2885T>G, p.Met962Arg (NM_001353954.2, NM_001353955.2); c.2834T>G, p.Met945Arg (NM_001353960.2); c.479T>G, p.Met160Arg (NM_001353961.2); short protein forms M160R, M946R, M974R, M945R, M962R, M963R.
Identifiers: ClinVar variation 2025866 (VCV002025866.4), dbSNP rs1389457388, ClinGen allele CA349060826.